The following is an entry in ClinVar:

ClinVar aggregate classification (germline): Likely benign. Review status: criteria provided, multiple submitters, no conflicts (2 of 4 stars). 2 submissions from 2 submitters: Likely benign (2). Last evaluated 2026-04-01.

Allele frequency attached by ClinVar (database versions not stated): gnomAD 0.00001; gnomAD exomes 0.00001; TOPMed 0.00001.
gnomAD v4.1: 7 of 1,614,060 alleles (0.00043%); highest among the groups gnomAD compares: East Asian, 0.0067%; no homozygotes.

Submissions (2):

CeGaT Center for Human Genetics Tuebingen
Classification: Likely benign. Last evaluated: 2026-04-01. Review status: criteria provided, single submitter. Criteria: CeGaT Center For Human Genetics Tuebingen Variant Classification Criteria Version 2. Collection method: clinical testing. Allele origin: germline. Affected: yes. Observed: 1 variant allele.
Comment: COX6A1: BP4, BP7

Labcorp Genetics (formerly Invitae), Labcorp
Classification: Likely benign. Last evaluated: 2024-12-09. Review status: criteria provided, single submitter. Criteria: Invitae Variant Classification Sherloc (09022015). Collection method: clinical testing. Allele origin: germline.

NM_004373.4(COX6A1):c.153A>G (p.Ala51=)

Gene: COX6A1 (cytochrome c oxidase subunit 6A1; plus strand). Cytogenetic location: 12q24.31.
Variant type: single nucleotide variant.
Coding change: c.153A>G on transcript NM_004373.4 (MANE Select); coding-DNA position 153, A replaced by G.
Protein change: p.Ala51=; no amino-acid change (alanine 51 retained).
Molecular consequence: synonymous variant.
Genome position (GRCh38, 1-based): chr12:120,438,428, A>G. VCF-style: chr12-120438428-A-G. GRCh37 (hg19) VCF-style: chr12-120876231-A-G.
Identifiers: ClinVar variation 3004785 (VCV003004785.5), dbSNP rs1420295103, ClinGen allele CA482144703.